The following is an entry in ClinVar:

ClinVar aggregate classification (germline): Uncertain significance. Review status: criteria provided, multiple submitters, no conflicts (2 of 4 stars). 2 submissions from 2 submitters: Uncertain significance (2). Last evaluated 2023-04-04.

Conditions:
Inborn genetic diseases. Identifiers: MedGen C0950123, MeSH D030342.
Deficiency of acetyl-CoA acetyltransferase. Also called: 3-KETOTHIOLASE DEFICIENCY; 3-OXOTHIOLASE DEFICIENCY; MITOCHONDRIAL ACETOACETYL-CoA THIOLASE DEFICIENCY; Beta-ketothiolase deficiency. Identifiers: Orphanet 134, MedGen C1536500, MONDO:0008760, OMIM 203750. Disease mechanism: loss of function.

Allele frequency attached by ClinVar (database versions not stated): gnomAD exomes below 0.00001; gnomAD 0.00001; TOPMed 0.00001.
gnomAD v4.1: 8 of 1,614,016 alleles (0.0005%); highest among the groups gnomAD compares: Middle Eastern, 0.016%; no homozygotes.

Submissions (2):

Ambry Genetics
Classification: Uncertain significance for Inborn genetic diseases. Last evaluated: 2023-04-04. Review status: criteria provided, single submitter. Criteria: Ambry Variant Classification Scheme 2023. Collection method: clinical testing. Allele origin: germline.

Juno Genomics, Hangzhou Juno Genomics, Inc
Classification: Uncertain significance for Deficiency of acetyl-CoA acetyltransferase. Review status: criteria provided, single submitter. Criteria: ACMG Guidelines, 2015. Collection method: clinical testing. Allele origin: germline.
Comment: Absent from controls (or at extremely low frequency if recessive) in Genome Aggregation Database.;Multiple lines of computational evidence support a deleterious effect on the gene or gene product.

NM_000019.4(ACAT1):c.845A>G (p.Asn282Ser)

Gene: ACAT1 (acetyl-CoA acetyltransferase 1; plus strand). Cytogenetic location: 11q22.3.
Variant type: single nucleotide variant.
Coding change: c.845A>G on transcript NM_000019.4 (MANE Select); coding-DNA position 845, A replaced by G.
Protein change: p.Asn282Ser; replaces asparagine 282 with serine.
Molecular consequence: missense variant. On other transcripts: non-coding transcript variant (2).
Genome position (GRCh38, 1-based): chr11:108,142,455, A>G. VCF-style: chr11-108142455-A-G. GRCh37 (hg19) VCF-style: chr11-108013182-A-G.
Other names: c.845A>G, p.Asn282Ser (NM_001386677.1); c.530A>G, p.Asn177Ser (NM_001386678.1); c.548A>G, p.Asn183Ser (NM_001386679.1); c.575A>G, p.Asn192Ser (NM_001386681.1, NM_001386682.1, NM_001386685.1 and 6 more transcripts); short protein forms N192S, N177S, N183S, N282S.
Identifiers: ClinVar variation 2532715 (VCV002532715.4), dbSNP rs2077608777, ClinGen allele CA382507977.